The following is an entry in ClinVar:

ClinVar aggregate classification (germline): Pathogenic/Likely pathogenic. Review status: criteria provided, multiple submitters, no conflicts (2 of 4 stars). 5 submissions from 5 submitters: Pathogenic (2); Likely pathogenic (2). 1 of the submissions does not count toward it. Last evaluated 2024-03-09.

Conditions:
CEP78-related disorder. Also called: CEP78-related condition.
Cone-rod dystrophy and hearing loss. Identifiers: MedGen CN263092, MONDO:0014980.
Cone-rod dystrophy and hearing loss 1 (CRDHL1). Identifiers: MedGen C5193018, MONDO:0020778, OMIM 617236.

Allele frequency attached by ClinVar (database versions not stated): gnomAD exomes 0.00001; TOPMed 0.00003.
gnomAD v4.1: 17 of 1,539,142 alleles (0.0011%); highest among the groups gnomAD compares: South Asian, 0.0049%; no homozygotes.

Submissions (5):

Blueprint Genetics
Classification: Pathogenic for CEP78-related disorders. Last evaluated: 2024-03-09. Review status: criteria provided, single submitter. Criteria: ACMG Guidelines, 2015. Collection method: clinical testing. Allele origin: germline. Affected: yes. Observed: 5 variant alleles.

Broad Center for Mendelian Genomics, Broad Institute of MIT and Harvard
Classification: Likely pathogenic for Cone-rod dystrophy and hearing loss. Last evaluated: 2023-05-02. Review status: criteria provided, single submitter. Criteria: ACMG Guidelines, 2015. Collection method: curation. Allele origin: germline. Inheritance: Autosomal recessive inheritance.
Comment: The p.Arg484Ter variant in CEP78 has not been previously reported in the literature in individuals with cone-rod dystrophy and hearing loss 1 but has been identified in 0.01% (1/8014) of African/African American chromosomes by the Genome Aggregation Database (gnomAD; dbSNP: rs1210581905). Although this variant has been seen in the general population in a heterozygous state, its frequency is low enough to be consistent with a recessive carrier frequency. This variant has also been reported in ClinVar (Variation ID: 1065756) and has been interpreted as pathogenic by Invitae and as likely pathogenic by the Massachusetts Eye and Ear Ocular Genomics Institute. This nonsense variant leads to a premature termination codon at position 484, which is predicted to lead to a truncated or absent protein. Loss of function of the CEP78 gene is an established disease mechanism in autosomal recessive cone-rod dystrophy and hearing loss 1. In summary, although additional studies are required to fully establish its clinical significance, this variant is likely pathogenic for autosomal recessive cone-rod dystrophy and hearing loss 1. ACMG/AMP Criteria applied: PVS1, PM2_Supporting (Richards 2015).

Labcorp Genetics (formerly Invitae), Labcorp
Classification: Pathogenic. Last evaluated: 2022-06-13. Review status: criteria provided, single submitter. Criteria: Invitae Variant Classification Sherloc (09022015). Collection method: clinical testing. Allele origin: germline.
Comment: Algorithms developed to predict the effect of sequence changes on RNA splicing suggest that this variant may disrupt the consensus splice site. For these reasons, this variant has been classified as Pathogenic. ClinVar contains an entry for this variant (Variation ID: 1065756). This sequence change creates a premature translational stop signal (p.Arg484*) in the CEP78 gene. It is expected to result in an absent or disrupted protein product. Loss-of-function variants in CEP78 are known to be pathogenic (PMID: 27588451, 27588452, 27627988). The frequency data for this variant in the population databases is considered unreliable, as metrics indicate poor data quality at this position in the gnomAD database. This variant has not been reported in the literature in individuals affected with CEP78-related conditions.

Ocular Genomics Institute, Massachusetts Eye and Ear
Classification: Likely pathogenic for Cone-rod dystrophy and hearing loss 1. Last evaluated: 2021-04-08. Review status: criteria provided, single submitter. Criteria: ACMG Guidelines, 2015. Collection method: research. Allele origin: germline. Affected: yes.
Comment: Through a review of available evidence we were able to apply the following criteria: PVS1, PM2. Based on this evidence we have classified this variant as Likely Pathogenic.

OMIM
Classification: Pathogenic for CONE-ROD DYSTROPHY AND HEARING LOSS 1. Last evaluated: 2024-10-30. Review status: no assertion criteria provided. Collection method: literature only. Allele origin: germline. Not counted in ClinVar's aggregate classification.

Literature cited by the submitters: PubMed 27588451 (cited by Labcorp Genetics (formerly Invitae), Labcorp); PubMed 27588452 (cited by Labcorp Genetics (formerly Invitae), Labcorp); PubMed 27627988 (cited by Labcorp Genetics (formerly Invitae), Labcorp); PubMed 38780195 (cited by OMIM).

NM_001330691.3(CEP78):c.1447C>T (p.Arg483Ter)

Gene: CEP78 (centrosomal protein 78; plus strand). Cytogenetic location: 9q21.2.
Variant type: single nucleotide variant.
Coding change: c.1447C>T on transcript NM_001330691.3 (MANE Select); coding-DNA position 1447, C replaced by T.
Protein change: p.Arg483Ter; replaces arginine 483 with a stop codon.
Molecular consequence: nonsense.
Genome position (GRCh38, 1-based): chr9:78,262,973, C>T. VCF-style: chr9-78262973-C-T. GRCh37 (hg19) VCF-style: chr9-80877889-C-T.
Other names: NM_001330691.3(CEP78):c.1447C>T; p.Arg483Ter; c.1450C>T, p.Arg484Ter (NM_001098802.3, NM_001349839.2, NM_001349840.2 and 1 more transcripts); c.1447C>T, p.Arg483Ter (NM_001330693.3, NM_001330694.2, NM_001349838.2); short protein forms R483*, R484*.
Identifiers: ClinVar variation 1065756 (VCV001065756.9), dbSNP rs1210581905, ClinGen allele CA373863536.